The following is an entry in ClinVar:

NM_004656.4(BAP1):c.183G>A (p.Lys61=)

Gene: BAP1 (BRCA1 associated deubiquitinase 1; minus strand). Cytogenetic location: 3p21.1.
Variant type: single nucleotide variant.
Coding change: c.183G>A on transcript NM_004656.4 (MANE Select); coding-DNA position 183, G replaced by A.
Protein change: p.Lys61=; no amino-acid change (lysine 61 retained).
Molecular consequence: synonymous variant.
Genome position (GRCh38, 1-based): chr3:52,408,546, C>T on the plus strand (G>A on the coding strand, the complement: BAP1 is on the minus strand). VCF-style: chr3-52408546-C-T. GRCh37 (hg19) VCF-style: chr3-52442562-C-T.
Other names: c.183G>A, p.Lys61= (NM_001410772.1).
Identifiers: ClinVar variation 2814281 (VCV002814281.4), dbSNP rs2471357949, ClinGen allele CA433778193.
Genomic context (GRCh38, chr3:52,408,546, plus strand): 5'-GAACATGTTATTCACAATATCATCATCAATCACGGACGTATCATCCACCAAGGTAGAGAC[C>T]TTTCGCCGGGACCGGCGCTCTTCGATCCATTTGAACAGGAAGATAAATCCATATACAGGG-3'
Protein context (NP_004647.1, residues 51-71): KWIEERRSRR[Lys61=]VSTLVDDTSV

ClinVar aggregate classification (germline): Conflicting classifications of pathogenicity. Review status: criteria provided, conflicting classifications (1 of 4 stars). 2 submissions from 2 submitters: Uncertain significance (1); Likely benign (1). Last evaluated 2023-12-11.

Conditions:
BAP1-related tumor predisposition syndrome (TPDS1). Also called: Tumor susceptibility linked to germline BAP1 mutations; BAP1 tumor predisposition syndrome; COMMON Syndrome; TUMOR PREDISPOSITION SYNDROME 1. Identifiers: Orphanet 289539, MedGen C3280492, MONDO:0013692, OMIM 614327.
Hereditary cancer-predisposing syndrome. Also called: Tumor predisposition; Hereditary Cancer Syndrome; Hereditary neoplastic syndrome; Neoplastic Syndromes, Hereditary. Identifiers: Orphanet 140162, MedGen C0027672, MeSH D009386, MONDO:0015356.

Submissions (2):

Ambry Genetics
Classification: Likely benign for Hereditary cancer-predisposing syndrome. Last evaluated: 2023-12-11. Review status: criteria provided, single submitter. Criteria: Ambry Variant Classification Scheme 2023. Collection method: clinical testing. Allele origin: germline.

Labcorp Genetics (formerly Invitae), Labcorp
Classification: Uncertain significance for BAP1-related tumor predisposition syndrome. Last evaluated: 2023-01-26. Review status: criteria provided, single submitter. Criteria: Invitae Variant Classification Sherloc (09022015). Collection method: clinical testing. Allele origin: germline.
Comment: This sequence change affects codon 61 of the BAP1 mRNA. It is a 'silent' change, meaning that it does not change the encoded amino acid sequence of the BAP1 protein. This variant is not present in population databases (gnomAD no frequency). This variant has not been reported in the literature in individuals affected with BAP1-related conditions. Algorithms developed to predict the effect of sequence changes on RNA splicing suggest that this variant may disrupt the consensus splice site. In summary, the available evidence is currently insufficient to determine the role of this variant in disease. Therefore, it has been classified as a Variant of Uncertain Significance.